The following is an entry in ClinVar:

ClinVar aggregate classification (germline): Pathogenic (1 of 4 stars; one submission).

Conditions:
Dyskeratosis congenita. Identifiers: Orphanet 1775, MedGen C0265965, MONDO:0015780.

Submission:

Ambry Genetics
Classification: Pathogenic for Dyskeratosis congenita. Last evaluated: 2025-07-23. Review status: criteria provided, single submitter. Criteria: Ambry Variant Classification Scheme 2023. Collection method: clinical testing. Allele origin: germline.
Comment: The c.1374dupC pathogenic mutation, located in coding exon 2 of the TERT gene, results from a duplication of C at nucleotide position 1374, causing a translational frameshift with a predicted alternate stop codon (p.W459Lfs*80). This alteration is expected to result in loss of function by premature protein truncation or nonsense-mediated mRNA decay. As such, this alteration is interpreted as a disease-causing mutation.

NM_198253.3(TERT):c.1374dup (p.Trp459fs)

Gene: TERT (telomerase reverse transcriptase; minus strand). Cytogenetic location: 5p15.33.
Variant type: Duplication.
Coding change: c.1374dup on transcript NM_198253.3 (MANE Select); coding-DNA position 1374, one base duplicated (C; older notation c.1374dupC).
Protein change: p.Trp459fs; shifts the reading frame from tryptophan 459.
Molecular consequence: frameshift variant. On other transcripts: non-coding transcript variant (2).
Genome position (GRCh38, 1-based): chr5:1,293,512, G duplicated on the plus strand (C on the coding strand, the reverse complement: TERT is on the minus strand); the first of 4 consecutive G bases (chr5:1,293,512-1,293,515); duplicating any one gives the same sequence. VCF-style (leftmost placement, unchanged base first): chr5-1293511-A-AG. GRCh37 (hg19) VCF-style: chr5-1293626-A-AG.
Other names: c.1374dup, p.Trp459fs (NM_001193376.3); c.1374dupC (NM_198253.2); short protein forms W459fs.
Identifiers: ClinVar variation 4182787 (VCV004182787.1).